The following is an entry in ClinVar:

ClinVar aggregate classification (germline): Uncertain significance (1 of 4 stars; one submission).

Conditions:
Combined immunodeficiency due to DOCK8 deficiency (HIES2). Also called: DOCK8 Deficiency; HYPER-IgE RECURRENT INFECTION SYNDROME 2, AUTOSOMAL RECESSIVE; HIES autosomal recessive; Hyper-IgE recurrent infection syndrome, autosomal recessive; HYPER-IgE SYNDROME 2, AUTOSOMAL RECESSIVE, WITH RECURRENT INFECTIONS. Identifiers: Orphanet 217390, MedGen C4722305, MONDO:0009478, OMIM 243700.

Allele frequency attached by ClinVar (database versions not stated): gnomAD exomes 0.00002; gnomAD 0.00013; TOPMed 0.00013.

Submission:

Labcorp Genetics (formerly Invitae), Labcorp
Classification: Uncertain significance for Combined immunodeficiency due to DOCK8 deficiency. Last evaluated: 2022-04-20. Review status: criteria provided, single submitter. Criteria: Invitae Variant Classification Sherloc (09022015). Collection method: clinical testing. Allele origin: germline.
Comment: This sequence change replaces methionine, which is neutral and non-polar, with isoleucine, which is neutral and non-polar, at codon 1001 of the DOCK8 protein (p.Met1001Ile). This variant is present in population databases (no rsID available, gnomAD 0.04%). This variant has not been reported in the literature in individuals affected with DOCK8-related conditions. Algorithms developed to predict the effect of missense changes on protein structure and function (SIFT, PolyPhen-2, Align-GVGD) all suggest that this variant is likely to be tolerated. In summary, the available evidence is currently insufficient to determine the role of this variant in disease. Therefore, it has been classified as a Variant of Uncertain Significance.

NM_203447.4(DOCK8):c.3003G>A (p.Met1001Ile)

Gene: DOCK8 (dedicator of cytokinesis 8; plus strand). Cytogenetic location: 9p24.3.
Variant type: single nucleotide variant.
Coding change: c.3003G>A on transcript NM_203447.4 (MANE Select); coding-DNA position 3003, G replaced by A.
Protein change: p.Met1001Ile; replaces methionine 1001 with isoleucine.
Molecular consequence: missense variant.
Genome position (GRCh38, 1-based): chr9:396,817, G>A. VCF-style: chr9-396817-G-A. GRCh37 (hg19) VCF-style: chr9-396817-G-A.
Other names: c.2703G>A, p.Met901Ile (NM_001190458.2); c.2799G>A, p.Met933Ile (NM_001193536.2); short protein forms M901I, M933I, M1001I.
Identifiers: ClinVar variation 2168325 (VCV002168325.1), dbSNP rs1433435308, ClinGen allele CA372752807.